The following is an entry in ClinVar:

NC_000009.11:g.(?_98241272)_(98248166_?)dup

Gene: PTCH1 (patched 1; minus strand). Cytogenetic location: 9q22.32.
Variant type: Duplication.
Identifiers: ClinVar variation 1507495 (VCV001507495.7).

ClinVar aggregate classification (germline): Likely pathogenic (1 of 4 stars; one submission).

Conditions:
Gorlin syndrome. Also called: Basal cell nevus syndrome; Nevoid Basal Cell Carcinoma Syndrome. Identifiers: Orphanet 377, MedGen C0004779, MONDO:0007187.

Submission:

Labcorp Genetics (formerly Invitae), Labcorp
Classification: Likely pathogenic for Gorlin syndrome. Last evaluated: 2020-11-20. Review status: criteria provided, single submitter. Criteria: Invitae Variant Classification Sherloc (09022015). Collection method: clinical testing. Allele origin: germline.
Comment: In summary, the currently available evidence indicates that the variant is pathogenic, but additional data are needed to prove that conclusively. Therefore, this variant has been classified as Likely Pathogenic. This variant has not been reported in the literature in individuals with PTCH1-related conditions. This variant results in a copy number gain of the genomic region encompassing exon(s) 3-8 of the PTCH1 gene. While the exact position of this variant cannot be determined from the data, sub-genic copy number gains are generally in tandem (PMID: 25640679). This variant is predicted to be out-of-frame, and may result in an absent or disrupted protein product. Loss-of-function variants in PTCH1 are known to be pathogenic (PMID: 16301862, 16419085).

Literature cited by the submitters: PubMed 25640679; PubMed 16301862; PubMed 16419085.